The following is an entry in ClinVar:

NM_014140.4(SMARCAL1):c.1211C>T (p.Ala404Val)

Gene: SMARCAL1 (SNF2 related chromatin remodeling annealing helicase 1; plus strand). Cytogenetic location: 2q35.
Variant type: single nucleotide variant.
Coding change: c.1211C>T on transcript NM_014140.4 (MANE Select); coding-DNA position 1211, C replaced by T.
Protein change: p.Ala404Val; replaces alanine 404 with valine.
Molecular consequence: missense variant.
Genome position (GRCh38, 1-based): chr2:216,428,659, C>T. VCF-style: chr2-216428659-C-T. GRCh37 (hg19) VCF-style: chr2-217293382-C-T.
Other names: c.1211C>T, p.Ala404Val (NM_001127207.2); short protein forms A404V.
Identifiers: ClinVar variation 2136964 (VCV002136964.4), dbSNP rs761003078, ClinGen allele CA2097816.

ClinVar aggregate classification (germline): Uncertain significance. Review status: criteria provided, multiple submitters, no conflicts (2 of 4 stars). 2 submissions from 2 submitters: Uncertain significance (2). Last evaluated 2024-11-07.

Conditions:
Schimke immuno-osseous dysplasia (SIOD). Also called: Schimke Immunoosseous Dysplasia. Identifiers: Orphanet 1830, MedGen C0877024, MONDO:0009458, OMIM 242900.

Allele frequency attached by ClinVar (database versions not stated): gnomAD 0.00001.
gnomAD v4.1: 9 of 1,614,114 alleles (0.00056%); highest among the groups gnomAD compares: South Asian, 0.0011%; no homozygotes.

Submissions (2):

Labcorp Genetics (formerly Invitae), Labcorp
Classification: Uncertain significance for Schimke immuno-osseous dysplasia. Last evaluated: 2024-11-07. Review status: criteria provided, single submitter. Criteria: Invitae Variant Classification Sherloc (09022015). Collection method: clinical testing. Allele origin: germline.
Comment: This sequence change replaces alanine, which is neutral and non-polar, with valine, which is neutral and non-polar, at codon 404 of the SMARCAL1 protein (p.Ala404Val). This variant is present in population databases (rs761003078, gnomAD 0.003%). This variant has not been reported in the literature in individuals affected with SMARCAL1-related conditions. ClinVar contains an entry for this variant (Variation ID: 2136964). Invitae Evidence Modeling of protein sequence and biophysical properties (such as structural, functional, and spatial information, amino acid conservation, physicochemical variation, residue mobility, and thermodynamic stability) indicates that this missense variant is not expected to disrupt SMARCAL1 protein function with a negative predictive value of 80%. In summary, the available evidence is currently insufficient to determine the role of this variant in disease. Therefore, it has been classified as a Variant of Uncertain Significance.

Fulgent Genetics
Classification: Uncertain significance for Schimke immuno-osseous dysplasia. Last evaluated: 2024-02-11. Review status: criteria provided, single submitter. Criteria: ACMG Guidelines, 2015. Collection method: clinical testing. Allele origin: germline.